The following is an entry in ClinVar:

NC_000016.9:g.(?_89809188)_(89846385_?)del

Gene: FANCA (FA complementation group A; minus strand). Cytogenetic location: 16q24.3.
Variant type: Deletion.
Identifiers: ClinVar variation 1454561 (VCV001454561.4).

ClinVar aggregate classification (germline): Pathogenic (1 of 4 stars; one submission).

Conditions:
Fanconi anemia (FA). Also called: Fanconi's anemia. Identifiers: Orphanet 84, MedGen C0015625, MeSH D005199, MONDO:0019391.

Submission:

Labcorp Genetics (formerly Invitae), Labcorp
Classification: Pathogenic for Fanconi anemia. Last evaluated: 2021-12-09. Review status: criteria provided, single submitter. Criteria: Invitae Variant Classification Sherloc (09022015). Collection method: clinical testing. Allele origin: germline.
Comment: Experimental studies and prediction algorithms are not available or were not evaluated, and the functional significance of this variant is currently unknown. This variant has not been reported in the literature in individuals affected with FANCA-related conditions. This variant is a gross deletion of the genomic region encompassing exon(s) 18-37 of the FANCA gene. This variant would be expected to be in-frame, preserving the integrity of the reading frame. The region of the FANCA gene that includes exon(s) 28-33 has been determined to be clinically significant (Invitae). Therefore, deletions that encompass that region are likely to be disease-causing. For these reasons, this variant has been classified as Pathogenic.